The following is an entry in ClinVar:

ClinVar aggregate classification (germline): Pathogenic (1 of 4 stars; one submission).

Conditions:
Cerebral cavernous malformation (CCM). Also called: Cerebral cavernous malformations; CAVERNOUS ANGIOMA, FAMILIAL; CAVERNOUS ANGIOMATOUS MALFORMATIONS; CEREBRAL CAPILLARY MALFORMATIONS; Cerebral cavernous hemangioma (type); Cavernous Hemangioma of Brain. Identifiers: Orphanet 221061, MedGen C2919945, MONDO:0000820, OMIM 116860, HP:0033522.

Submission:

Labcorp Genetics (formerly Invitae), Labcorp
Classification: Pathogenic for Cerebral cavernous malformation. Last evaluated: 2024-11-16. Review status: criteria provided, single submitter. Criteria: Invitae Variant Classification Sherloc (09022015). Collection method: clinical testing. Allele origin: germline.
Comment: This sequence change creates a premature translational stop signal (p.Asn250Hisfs*5) in the KRIT1 gene. It is expected to result in an absent or disrupted protein product. Loss-of-function variants in KRIT1 are known to be pathogenic (PMID: 10508515, 11222804, 12404106, 24689081). This variant is not present in population databases (gnomAD no frequency). This premature translational stop signal has been observed in individual(s) with cerebral cavernous malformations (internal data). ClinVar contains an entry for this variant (Variation ID: 653169). For these reasons, this variant has been classified as Pathogenic.

Literature cited by the submitters: PubMed 10508515; PubMed 11222804; PubMed 12404106; PubMed 24689081.

NM_194454.3(KRIT1):c.747_750del (p.Asn250fs)

Gene: KRIT1 (KRIT1 ankyrin repeat containing; minus strand). Cytogenetic location: 7q21.2.
Variant type: Deletion.
Coding change: c.747_750del on transcript NM_194454.3 (MANE Select); coding-DNA positions 747 to 750, 4 bases deleted (AAAT; older notation c.747_750delAAAT).
Protein change: p.Asn250fs; shifts the reading frame from asparagine 250.
Molecular consequence: frameshift variant.
Genome position (GRCh38, 1-based): chr7:92,234,903-92,234,906, ATTT deleted on the plus strand (AAAT on the coding strand, the reverse complement: KRIT1 is on the minus strand); deleting any 4 consecutive bases within chr7:92,234,903-92,234,909 gives the same sequence; the c. name uses the placement nearest the transcript's 3' end. VCF-style (leftmost placement, unchanged base first): chr7-92234902-GATTT-G. GRCh37 (hg19) VCF-style: chr7-91864216-GATTT-G.
Other names: c.747_750del, p.Asn250fs (NM_001350685.1, NM_001350686.1, NM_001350687.1 and 29 more transcripts); c.33_36del, p.Asn12fs (NM_001350671.1); c.747_750delAAAT (NM_194456.1); short protein forms N12fs, N250fs.
Identifiers: ClinVar variation 653169 (VCV000653169.9), dbSNP rs1584976350, ClinGen allele CA915945342.